The following is an entry in ClinVar:

NM_001172509.2(SATB2):c.176T>C (p.Met59Thr)

Gene: SATB2 (SATB homeobox 2; minus strand). Cytogenetic location: 2q33.1.
Variant type: single nucleotide variant.
Coding change: c.176T>C on transcript NM_001172509.2 (MANE Select); coding-DNA position 176, T replaced by C.
Protein change: p.Met59Thr; replaces methionine 59 with threonine.
Molecular consequence: missense variant. On other transcripts: non-coding transcript variant (1).
Genome position (GRCh38, 1-based): chr2:199,433,508, A>G on the plus strand (T>C on the coding strand, the complement: SATB2 is on the minus strand). VCF-style: chr2-199433508-A-G. GRCh37 (hg19) VCF-style: chr2-200298231-A-G.
Other names: c.176T>C, p.Met59Thr (NM_001172517.1, NM_015265.4); short protein forms M59T.
Identifiers: ClinVar variation 4715606 (VCV004715606.1).

ClinVar aggregate classification (germline): Uncertain significance (1 of 4 stars; one submission).

Conditions:
Chromosome 2q32-q33 deletion syndrome (GLASS). Also called: Glass syndrome; 2q33.1 deletion syndrome. Identifiers: Orphanet 251019, MedGen C2676739, MONDO:0012864, OMIM 612313.

Submission:

Labcorp Genetics (formerly Invitae), Labcorp
Classification: Uncertain significance for Chromosome 2q32-q33 deletion syndrome. Last evaluated: 2025-10-01. Review status: criteria provided, single submitter. Criteria: Invitae Variant Classification Sherloc (09022015). Collection method: clinical testing. Allele origin: germline.
Comment: This sequence change replaces methionine, which is neutral and non-polar, with threonine, which is neutral and polar, at codon 59 of the SATB2 protein (p.Met59Thr). This variant is not present in population databases (gnomAD no frequency). This variant has not been reported in the literature in individuals affected with SATB2-related conditions. Invitae Evidence Modeling of protein sequence and biophysical properties (such as structural, functional, and spatial information, amino acid conservation, physicochemical variation, residue mobility, and thermodynamic stability) indicates that this missense variant is expected to disrupt SATB2 protein function with a positive predictive value of 80%. In summary, the available evidence is currently insufficient to determine the role of this variant in disease. Therefore, it has been classified as a Variant of Uncertain Significance.